The following is an entry in ClinVar:

ClinVar aggregate classification (germline): Uncertain significance. Review status: criteria provided, multiple submitters, no conflicts (2 of 4 stars). 2 submissions from 2 submitters: Uncertain significance (2). Last evaluated 2023-11-27.

Conditions:
Joubert syndrome 21 (JBTS21). Identifiers: MedGen C3810212, MONDO:0014288, OMIM 615636.

Allele frequency attached by ClinVar (database versions not stated): gnomAD exomes 0.00004 and 0.00002; TOPMed 0.00003; ExAC 0.00004; gnomAD 0.00001 and 0.00002; ESP Exome Variant Server 0.00008.
gnomAD v4.1: 29 of 1,611,792 alleles (0.0018%); highest among the groups gnomAD compares: Non-Finnish European, 0.00017%; no homozygotes.

Submissions (2):

Labcorp Genetics (formerly Invitae), Labcorp
Classification: Uncertain significance for Joubert syndrome 21. Last evaluated: 2023-11-27. Review status: criteria provided, single submitter. Criteria: Invitae Variant Classification Sherloc (09022015). Collection method: clinical testing. Allele origin: germline.
Comment: This sequence change replaces isoleucine, which is neutral and non-polar, with valine, which is neutral and non-polar, at codon 1037 of the CSPP1 protein (p.Ile1037Val). This variant is present in population databases (rs370238037, gnomAD 0.09%). This variant has not been reported in the literature in individuals affected with CSPP1-related conditions. ClinVar contains an entry for this variant (Variation ID: 1416011). Algorithms developed to predict the effect of missense changes on protein structure and function output the following: SIFT: "Not Available"; PolyPhen-2: "Benign"; Align-GVGD: "Not Available". The valine amino acid residue is found in multiple mammalian species, which suggests that this missense change does not adversely affect protein function. In summary, the available evidence is currently insufficient to determine the role of this variant in disease. Therefore, it has been classified as a Variant of Uncertain Significance.

GeneDx
Classification: Uncertain significance. Last evaluated: 2023-01-18. Review status: criteria provided, single submitter. Criteria: GeneDx Variant Classification Process June 2021. Collection method: clinical testing. Allele origin: germline. Affected: yes.
Comment: In silico analysis supports that this missense variant does not alter protein structure/function; Has not been previously published as pathogenic or benign to our knowledge

NM_001382391.1(CSPP1):c.3124A>G (p.Ile1042Val)

Genes: ARFGEF1 (ARF guanine nucleotide exchange factor 1; minus strand), CSPP1 (centrosome and spindle pole associated protein 1; plus strand). Cytogenetic location: 8q13.2.
Variant type: single nucleotide variant.
Coding change: c.3124A>G on transcript NM_001382391.1 (MANE Select); coding-DNA position 3124, A replaced by G.
Protein change: p.Ile1042Val; replaces isoleucine 1042 with valine.
Molecular consequence: missense variant. On other transcripts: intron variant (2).
Genome position (GRCh38, 1-based): chr8:67,177,694, A>G. VCF-style: chr8-67177694-A-G. GRCh37 (hg19) VCF-style: chr8-68089929-A-G.
Other names: c.2074A>G, p.Ile692Val (NM_001291339.2); c.3043A>G, p.Ile1015Val (NM_001363131.2); c.2929A>G, p.Ile977Val (NM_001363132.2); c.2848A>G, p.Ile950Val (NM_001363133.2); c.3190A>G, p.Ile1064Val (NM_001364869.1); c.3010A>G, p.Ile1004Val (NM_001364870.1); c.2956A>G, p.Ile986Val (NM_001438330.1); c.3109A>G, p.Ile1037Val (NM_001438331.1, NM_024790.7); and 3 more; short protein forms I1064V, I977V, I692V, I1004V, I1015V, I1037V, I1042V, I950V.
Identifiers: ClinVar variation 1416011 (VCV001416011.6), dbSNP rs370238037, ClinGen allele CA4771066.